The following is an entry in ClinVar:

ClinVar aggregate classification (germline): Conflicting classifications of pathogenicity. Review status: criteria provided, conflicting classifications (1 of 4 stars). 3 submissions from 3 submitters: Pathogenic (1); Likely pathogenic (1); Uncertain significance (1). Last evaluated 2025-11-24.

Conditions:
Polycystic kidney disease 4 (PKD4). Also called: PKD3; POLYCYSTIC KIDNEY DISEASE 4 WITH OR WITHOUT POLYCYSTIC LIVER DISEASE; POLYCYSTIC KIDNEY AND HEPATIC DISEASE 1; POLYCYSTIC KIDNEY DISEASE, INFANTILE, TYPE I; Autosomal Recessive Polycystic Kidney Disease – PKHD1. Identifiers: MedGen C4540575, MONDO:0033004, OMIM 263200.
Autosomal recessive polycystic kidney disease (ARPKD). Also called: AR polycystic kidney disease. Identifiers: Orphanet 731, Orphanet 8378, MedGen C0085548, MeSH D017044, MONDO:0009889.

gnomAD v4.1: 2 of 1,614,192 alleles (0.00012%); highest among the groups gnomAD compares: Non-Finnish European, 0.00017%; no homozygotes.

Submissions (3):

Myriad Genetics, Inc.
Classification: Uncertain significance for Polycystic kidney disease 4. Last evaluated: 2025-11-24. Review status: criteria provided, single submitter. Criteria: Myriad Autosomal Dominant, Autosomal Recessive and X-Linked Classification Criteria (2023). Collection method: clinical testing. Allele origin: unknown.
Comment: NM_138694.3(PKHD1):c.5075G>A(C1692Y) is a missense variant classified as a variant of uncertain significance in the context of autosomal recessive polycystic kidney disease, PKHD1-related. C1692Y has been observed in cases with relevant disease (PMID: 19021639, 19940839). Relevant functional assessments of this variant are not available in the literature. C1692Y has not been observed in referenced population frequency databases. In summary, there is insufficient evidence to classify NM_138694.3(PKHD1):c.5075G>A(C1692Y) as pathogenic or benign. Please note: this variant was assessed in the context of healthy population screening.

Natera, Inc.
Classification: Likely pathogenic for Autosomal recessive polycystic kidney disease. Last evaluated: 2025-09-10. Review status: criteria provided, single submitter. Criteria: Natera Variant Classification Schema (03/2026). Collection method: clinical testing. Allele origin: germline.
Comment: The c.5075G>A variant in PKHD1 is a missense variant predicted to cause substitution of cysteine to tyrosine at amino acid 1692. This variant is rare in the general population with a frequency below the threshold expected for the associated phenotype(s). This variant has been observed in one or more individuals affected with the associated recessive disease, as either homozygous or compound heterozygous with a second variant (PMID: 19940839, 19021639). Additionally, this variant has been observed to segregate in affected family members (PMID: 19021639). Computational prediction algorithms indicate this variant is likely to affect gene or protein function. Given the available evidence, this variant is classified as Likely Pathogenic.

Labcorp Genetics (formerly Invitae), Labcorp
Classification: Pathogenic for Autosomal recessive polycystic kidney disease. Last evaluated: 2022-01-18. Review status: criteria provided, single submitter. Criteria: Invitae Variant Classification Sherloc (09022015). Collection method: clinical testing. Allele origin: germline.
Comment: This sequence change replaces cysteine, which is neutral and slightly polar, with tyrosine, which is neutral and polar, at codon 1692 of the PKHD1 protein (p.Cys1692Tyr). This variant is not present in population databases (gnomAD no frequency). This missense change has been observed in individual(s) with polycystic kidney disease (PMID: 19021639, 19940839). In at least one individual the data is consistent with being in trans (on the opposite chromosome) from a pathogenic variant. It has also been observed to segregate with disease in related individuals. Advanced modeling of protein sequence and biophysical properties (such as structural, functional, and spatial information, amino acid conservation, physicochemical variation, residue mobility, and thermodynamic stability) performed at Invitae indicates that this missense variant is expected to disrupt PKHD1 protein function. For these reasons, this variant has been classified as Pathogenic.

Literature cited by the submitters: PubMed 19021639 (cited by 3 submitters); PubMed 19940839 (cited by 3 submitters).

NM_138694.4(PKHD1):c.5075G>A (p.Cys1692Tyr)

Genes: PKHD1 (PKHD1 ciliary IPT domain containing fibrocystin/polyductin; minus strand), LOC126859690 (MED14-independent group 3 enhancer GRCh37_chr6:51888848-51890047; plus strand). Cytogenetic location: 6p12.2.
Variant type: single nucleotide variant.
Coding change: c.5075G>A on transcript NM_138694.4 (MANE Select); coding-DNA position 5075, G replaced by A.
Protein change: p.Cys1692Tyr; replaces cysteine 1692 with tyrosine.
Molecular consequence: missense variant.
Genome position (GRCh38, 1-based): chr6:52,024,735, C>T on the plus strand (G>A on the coding strand, the complement: PKHD1 is on the minus strand). VCF-style: chr6-52024735-C-T. GRCh37 (hg19) VCF-style: chr6-51889533-C-T.
Other names: c.5075G>A, p.Cys1692Tyr (NM_170724.3); c.5075G>A (NM_138694.3); short protein forms C1692Y.
Identifiers: ClinVar variation 2136417 (VCV002136417.6), dbSNP rs1801882025, ClinGen allele CA364428801.
Genomic context (GRCh38, chr6:52,024,735, plus strand): 5'-CCGGCCGGAAGGGAAGGGACCACGCACTGAAGAACGGTGTGGTTACCAGAGACACCCACA[C>T]AGGGTGACATTCCTATAAAAATGTCAATGTTTGCAGCTCCTGAGATCTGGGCCACTGCAA-3'
Protein context (NP_619639.3, residues 1682-1702): NIDIFIGMSP[Cys1692Tyr]VGVSGNHTVL